The following is an entry in ClinVar:

NM_001146227.3(RPS20):c.354A>G (p.Ala118=)

Gene: RPS20 (ribosomal protein S20; minus strand). Cytogenetic location: 8q12.1.
Variant type: single nucleotide variant.
Coding change: c.354A>G on transcript NM_001146227.3; coding-DNA position 354, A replaced by G.
Protein change: p.Ala118=; no amino-acid change (alanine 118 retained).
Molecular consequence: synonymous variant.
Genome position (GRCh38, 1-based): chr8:56,069,813, T>C on the plus strand (A>G on the coding strand, the complement: RPS20 is on the minus strand). VCF-style: chr8-56069813-T-C. GRCh37 (hg19) VCF-style: chr8-56982372-T-C.
Identifiers: ClinVar variation 5042324 (VCV005042324.1).

ClinVar aggregate classification (germline): Benign (1 of 4 stars; one submission).

Conditions:
Familial colorectal cancer type X. Identifiers: Orphanet 440437, MedGen C3896578, MONDO:0018604.

Submission:

Myriad Genetics, Inc.
Classification: Benign for Familial colorectal cancer type X. Last evaluated: 2026-08-04. Review status: criteria provided, single submitter. Criteria: Myriad Autosomal Dominant, Autosomal Recessive and X-Linked Classification Criteria (2023). Collection method: clinical testing. Allele origin: unknown.
Comment: This variant is considered benign. This variant is a silent/synonymous amino acid change and it is not expected to impact splicing.